The following is an entry in ClinVar:

NM_194454.3(KRIT1):c.1063C>T (p.Leu355Phe)

Gene: KRIT1 (KRIT1 ankyrin repeat containing; minus strand). Cytogenetic location: 7q21.2.
Variant type: single nucleotide variant.
Coding change: c.1063C>T on transcript NM_194454.3 (MANE Select); coding-DNA position 1063, C replaced by T.
Protein change: p.Leu355Phe; replaces leucine 355 with phenylalanine.
Molecular consequence: missense variant.
Genome position (GRCh38, 1-based): chr7:92,226,609, G>A on the plus strand (C>T on the coding strand, the complement: KRIT1 is on the minus strand). VCF-style: chr7-92226609-G-A. GRCh37 (hg19) VCF-style: chr7-91855923-G-A.
Other names: p.Leu355Phe; c.1063C>T, p.Leu355Phe (NM_001350692.1, NM_001350693.1, NM_001350694.1 and 26 more transcripts); c.919C>T, p.Leu307Phe (NM_001013406.2, NM_001350669.1, NM_001350670.1); c.349C>T, p.Leu117Phe (NM_001350671.1); short protein forms L355F, L117F, L307F.
Identifiers: ClinVar variation 360887 (VCV000360887.12), dbSNP rs182763805, ClinGen allele CA4339222.

ClinVar aggregate classification (germline): Conflicting classifications of pathogenicity. Review status: criteria provided, conflicting classifications (1 of 4 stars). 5 submissions from 4 submitters: Uncertain significance (2); Benign (1); Likely benign (2). Last evaluated 2026-08-10.

Conditions:
Cerebral cavernous malformation (CCM). Also called: Cerebral cavernous malformations; Cavernous Hemangioma of Brain; Cerebral cavernous hemangioma (type); CAVERNOUS ANGIOMA, FAMILIAL; CAVERNOUS ANGIOMATOUS MALFORMATIONS; CEREBRAL CAPILLARY MALFORMATIONS. Identifiers: Orphanet 221061, MedGen C2919945, MONDO:0000820, OMIM 116860, HP:0033522.
Angiokeratoma corporis diffusum with arteriovenous fistulas. Identifiers: MedGen C1838141, MONDO:0010885, OMIM 600419.
Inborn genetic diseases. Identifiers: MedGen C0950123, MeSH D030342.

Allele frequency attached by ClinVar (database versions not stated): 1000 Genomes Project 0.00060; 1000 Genomes Project 30x 0.00062; TOPMed 0.00006; gnomAD 0.00004 and 0.00006; ExAC 0.00004.
gnomAD v4.1: 65 of 1,612,996 alleles (0.004%); highest among the groups gnomAD compares: Admixed American, 0.03%; no homozygotes.

Submissions (5):

Ambry Genetics
Classification: Likely benign for Inborn genetic diseases. Last evaluated: 2026-08-10. Review status: criteria provided, single submitter. Criteria: Ambry Variant Classification Scheme 2023. Collection method: clinical testing. Allele origin: germline.

Mayo Clinic Laboratories, Mayo Clinic
Classification: Uncertain significance. Last evaluated: 2025-07-21. Review status: criteria provided, single submitter. Criteria: ACMG Guidelines, 2015. Collection method: clinical testing. Allele origin: germline. Observed: 1 variant allele.
Comment: BS2, PM2_supporting

Labcorp Genetics (formerly Invitae), Labcorp
Classification: Uncertain significance for Cerebral cavernous malformation. Last evaluated: 2025-01-12. Review status: criteria provided, single submitter. Criteria: Invitae Variant Classification Sherloc (09022015). Collection method: clinical testing. Allele origin: germline.
Comment: This sequence change replaces leucine, which is neutral and non-polar, with phenylalanine, which is neutral and non-polar, at codon 355 of the KRIT1 protein (p.Leu355Phe). This variant is present in population databases (rs182763805, gnomAD 0.02%). This variant has not been reported in the literature in individuals affected with KRIT1-related conditions. ClinVar contains an entry for this variant (Variation ID: 360887). Invitae Evidence Modeling of protein sequence and biophysical properties (such as structural, functional, and spatial information, amino acid conservation, physicochemical variation, residue mobility, and thermodynamic stability) indicates that this missense variant is not expected to disrupt KRIT1 protein function with a negative predictive value of 80%. In summary, the available evidence is currently insufficient to determine the role of this variant in disease. Therefore, it has been classified as a Variant of Uncertain Significance.

Illumina Laboratory Services, Illumina
Classification: Benign for Angiokeratoma corporis diffusum with arteriovenous fistulas. Last evaluated: 2018-01-13. Review status: criteria provided, single submitter. Criteria: ICSL Variant Classification Criteria 13 December 2019. Collection method: clinical testing. Allele origin: germline.
Comment: This variant was observed in the ICSL laboratory as part of a predisposition screen in an ostensibly healthy population. It had not been previously curated by ICSL or reported in the Human Gene Mutation Database (HGMD: prior to June 1st, 2018), and was therefore a candidate for classification through an automated scoring system. Utilizing variant allele frequency, disease prevalence and penetrance estimates, and inheritance mode, an automated score was calculated to assess if this variant is too frequent to cause the disease. Based on the score and internal cut-off values, a variant classified as benign is not then subjected to further curation. The score for this variant resulted in a classification of benign for this disease.

Illumina Laboratory Services, Illumina
Classification: Likely benign for Cerebral cavernous malformation. Last evaluated: 2018-01-13. Review status: criteria provided, single submitter. Criteria: ICSL Variant Classification Criteria 13 December 2019. Collection method: clinical testing. Allele origin: germline.
Comment: This variant was observed in the ICSL laboratory as part of a predisposition screen in an ostensibly healthy population. It had not been previously curated by ICSL or reported in the Human Gene Mutation Database (HGMD: prior to June 1st, 2018), and was therefore a candidate for classification through an automated scoring system. Utilizing variant allele frequency, disease prevalence and penetrance estimates, and inheritance mode, an automated score was calculated to assess if this variant is too frequent to cause the disease. Based on the score and internal cut-off values, a variant classified as likely benign is not then subjected to further curation. The score for this variant resulted in a classification of likely benign for this disease.